The following is an entry in ClinVar:

ClinVar aggregate classification (germline): Uncertain significance (1 of 4 stars; one submission).

Submission:

Labcorp Genetics (formerly Invitae), Labcorp
Classification: Uncertain significance. Last evaluated: 2024-09-19. Review status: criteria provided, single submitter. Criteria: Invitae Variant Classification Sherloc (09022015). Collection method: clinical testing. Allele origin: germline.
Comment: This sequence change replaces glycine, which is neutral and non-polar, with alanine, which is neutral and non-polar, at codon 152 of the ACAN protein (p.Gly152Ala). This variant is not present in population databases (gnomAD no frequency). This variant has not been reported in the literature in individuals affected with ACAN-related conditions. Experimental studies and prediction algorithms are not available or were not evaluated, and the functional significance of this variant is currently unknown. Algorithms developed to predict the effect of sequence changes on RNA splicing suggest that this variant may disrupt the consensus splice site. In summary, the available evidence is currently insufficient to determine the role of this variant in disease. Therefore, it has been classified as a Variant of Uncertain Significance.

NM_001369268.1(ACAN):c.455G>C (p.Gly152Ala)

Gene: ACAN (aggrecan; plus strand). Cytogenetic location: 15q26.1.
Variant type: single nucleotide variant.
Coding change: c.455G>C on transcript NM_001369268.1 (MANE Select); coding-DNA position 455, G replaced by C.
Protein change: p.Gly152Ala; replaces glycine 152 with alanine.
Molecular consequence: missense variant.
Genome position (GRCh38, 1-based): chr15:88,840,012, G>C. VCF-style: chr15-88840012-G-C. GRCh37 (hg19) VCF-style: chr15-89383243-G-C.
Other names: c.455G>C, p.Gly152Ala (NM_001135.4, NM_001411096.1, NM_001411097.1 and 1 more transcripts); short protein forms G152A.
Identifiers: ClinVar variation 3666693 (VCV003666693.2).